The following is an entry in ClinVar:

ClinVar aggregate classification (germline): Uncertain significance. Review status: criteria provided, multiple submitters, no conflicts (2 of 4 stars). 2 submissions from 2 submitters: Uncertain significance (2). Last evaluated 2025-07-12.

Conditions:
Inborn genetic diseases. Identifiers: MedGen C0950123, MeSH D030342.

Allele frequency attached by ClinVar (database versions not stated): ExAC 0.00001; gnomAD 0.00001; TOPMed 0.00001; gnomAD exomes 0.00002 and 0.00003; 1000 Genomes Project 30x 0.00016; 1000 Genomes Project 0.00020.
gnomAD v4.1: 11 of 1,614,198 alleles (0.00068%); highest among the groups gnomAD compares: Admixed American, 0.015%; no homozygotes.

Submissions (2):

Ambry Genetics
Classification: Uncertain significance for Inborn genetic diseases. Last evaluated: 2025-07-12. Review status: criteria provided, single submitter. Criteria: Ambry Variant Classification Scheme 2023. Collection method: clinical testing. Allele origin: germline.

Labcorp Genetics (formerly Invitae), Labcorp
Classification: Uncertain significance. Last evaluated: 2022-06-15. Review status: criteria provided, single submitter. Criteria: Invitae Variant Classification Sherloc (09022015). Collection method: clinical testing. Allele origin: germline.
Comment: This sequence change replaces aspartic acid, which is acidic and polar, with glycine, which is neutral and non-polar, at codon 3460 of the VPS13D protein (p.Asp3460Gly). This variant is present in population databases (rs528741266, gnomAD 0.02%). This variant has not been reported in the literature in individuals affected with VPS13D-related conditions. Algorithms developed to predict the effect of missense changes on protein structure and function are either unavailable or do not agree on the potential impact of this missense change (SIFT: "Not Available"; PolyPhen-2: "Probably Damaging"; Align-GVGD: "Not Available"). In summary, the available evidence is currently insufficient to determine the role of this variant in disease. Therefore, it has been classified as a Variant of Uncertain Significance.

NM_015378.4(VPS13D):c.10379A>G (p.Asp3460Gly)

Gene: VPS13D (vacuolar protein sorting 13 homolog D; plus strand). Cytogenetic location: 1p36.22.
Variant type: single nucleotide variant.
Coding change: c.10379A>G on transcript NM_015378.4 (MANE Select); coding-DNA position 10379, A replaced by G.
Protein change: p.Asp3460Gly; replaces aspartic acid 3460 with glycine.
Molecular consequence: missense variant.
Genome position (GRCh38, 1-based): chr1:12,363,178, A>G. VCF-style: chr1-12363178-A-G. GRCh37 (hg19) VCF-style: chr1-12423234-A-G.
Other names: c.10379A>G (NM_015378.2); c.10304A>G, p.Asp3435Gly (NM_018156.4); short protein forms D3460G, D3435G.
Identifiers: ClinVar variation 1445742 (VCV001445742.6), dbSNP rs528741266, ClinGen allele CA603675.